The following is an entry in ClinVar:

ClinVar aggregate classification (germline): Likely benign (1 of 4 stars; one submission).

Allele frequency attached by ClinVar (database versions not stated): ExAC 0.00050; ESP Exome Variant Server 0.00129; gnomAD 0.00134; TOPMed 0.00141; 1000 Genomes Project 30x 0.00219; 1000 Genomes Project 0.00220.

Submission:

CeGaT Center for Human Genetics Tuebingen
Classification: Likely benign. Last evaluated: 2022-04-01. Review status: criteria provided, single submitter. Criteria: CeGaT Center For Human Genetics Tuebingen Variant Classification Criteria Version 2. Collection method: clinical testing. Allele origin: germline. Affected: yes. Observed: 1 variant allele.
Comment: MUC16: BP4, BP7

NM_001401501.2(MUC16):c.23190G>A (p.Pro7730=)

Gene: MUC16 (mucin 16, cell surface associated; minus strand). Cytogenetic location: 19p13.2.
Variant type: single nucleotide variant.
Coding change: c.23190G>A on transcript NM_001401501.2 (MANE Select); coding-DNA position 23190, G replaced by A.
Protein change: p.Pro7730=; no amino-acid change (proline 7730 retained).
Molecular consequence: synonymous variant.
Genome position (GRCh38, 1-based): chr19:8,953,700, C>T on the plus strand (G>A on the coding strand, the complement: MUC16 is on the minus strand). VCF-style: chr19-8953700-C-T. GRCh37 (hg19) VCF-style: chr19-9064376-C-T.
Other names: c.23616G>A, p.Pro7872= (NM_001414686.1); c.23070G>A, p.Pro7690= (NM_001414687.1, NM_024690.2).
Identifiers: ClinVar variation 2649246 (VCV002649246.24), dbSNP rs150330701, ClinGen allele CA9168703.